The following is an entry in ClinVar:

NM_006565.4(CTCF):c.1936C>T (p.Pro646Ser)

Gene: CTCF (CCCTC-binding factor; plus strand). Cytogenetic location: 16q22.1.
Variant type: single nucleotide variant.
Coding change: c.1936C>T on transcript NM_006565.4 (MANE Select); coding-DNA position 1936, C replaced by T.
Protein change: p.Pro646Ser; replaces proline 646 with serine.
Molecular consequence: missense variant.
Genome position (GRCh38, 1-based): chr16:67,636,788, C>T. VCF-style: chr16-67636788-C-T. GRCh37 (hg19) VCF-style: chr16-67670691-C-T.
Other names: c.952C>T, p.Pro318Ser (NM_001191022.2); c.1936C>T, p.Pro646Ser (NM_001363916.2); short protein forms P318S, P646S.
Identifiers: ClinVar variation 2249297 (VCV002249297.3), dbSNP rs377170408, ClinGen allele CA8112803.

ClinVar aggregate classification (germline): Uncertain significance (1 of 4 stars; one submission).

Conditions:
Inborn genetic diseases. Identifiers: MedGen C0950123, MeSH D030342.

Allele frequency attached by ClinVar (database versions not stated): ExAC 0.00001; gnomAD 0.00001; TOPMed 0.00001; ESP Exome Variant Server 0.00008.

Submission:

Ambry Genetics
Classification: Uncertain significance for Inborn genetic diseases. Last evaluated: 2023-02-09. Review status: criteria provided, single submitter. Criteria: Ambry Variant Classification Scheme 2023. Collection method: clinical testing. Allele origin: germline.
Comment: The c.1936C>T (p.P646S) alteration is located in exon 11 (coding exon 9) of the CTCF gene. This alteration results from a C to T substitution at nucleotide position 1936, causing the proline (P) at amino acid position 646 to be replaced by a serine (S). Based on data from gnomAD, the T allele has an overall frequency of <0.001% (1/243900) total alleles studied. The highest observed frequency was 0.001% (1/111896) of European (non-Finnish) alleles. This amino acid position is highly conserved in available vertebrate species. This alteration is predicted to be tolerated by in silico analysis. Based on insufficient or conflicting evidence, the clinical significance of this alteration remains unclear.